The following is an entry in ClinVar:

ClinVar aggregate classification (germline): Uncertain significance. Review status: criteria provided, multiple submitters, no conflicts (2 of 4 stars). 2 submissions from 2 submitters: Uncertain significance (2). Last evaluated 2023-07-05.

Allele frequency attached by ClinVar (database versions not stated): TOPMed below 0.00001.

Submissions (2):

Women's Health and Genetics/Laboratory Corporation of America, LabCorp
Classification: Uncertain significance. Last evaluated: 2023-07-05. Review status: criteria provided, single submitter. Criteria: LabCorp Variant Classification Summary - May 2015. Collection method: clinical testing. Allele origin: germline.
Comment: Variant summary: SOS1 c.1063G>A (p.Glu355Lys) results in a conservative amino acid change located in the Dbl homology (DH) domain (IPR000219) of the encoded protein sequence. Three of five in-silico tools predict a damaging effect of the variant on protein function. The variant was absent in 250576 control chromosomes (gnomAD). The available data on variant occurrences in the general population are insufficient to allow any conclusion about variant significance. To our knowledge, no occurrence of c.1063G>A in individuals affected with Noonan Syndrome and no experimental evidence demonstrating its impact on protein function have been reported. One submitter has provided a clinical-significance assessment for this variant to ClinVar after 2014 and has classified the variant as uncertain significance. Based on the evidence outlined above, the variant was classified as uncertain significance.

GeneDx
Classification: Uncertain significance. Last evaluated: 2021-05-25. Review status: criteria provided, single submitter. Criteria: GeneDx Variant Classification Process June 2021. Collection method: clinical testing. Allele origin: germline. Affected: yes.
Comment: Not observed at a significant frequency in large population cohorts (Lek et al., 2016); In silico analysis supports that this missense variant has a deleterious effect on protein structure/function; Missense variants in this gene are often considered pathogenic (Stenson et al., 2014); Has not been previously published as pathogenic or benign to our knowledge

NM_005633.4(SOS1):c.1063G>A (p.Glu355Lys)

Gene: SOS1 (SOS Ras/Rac guanine nucleotide exchange factor 1; minus strand). Cytogenetic location: 2p22.1.
Variant type: single nucleotide variant.
Coding change: c.1063G>A on transcript NM_005633.4 (MANE Select); coding-DNA position 1063, G replaced by A.
Protein change: p.Glu355Lys; replaces glutamic acid 355 with lysine.
Molecular consequence: missense variant.
Genome position (GRCh38, 1-based): chr2:39,035,223, C>T on the plus strand (G>A on the coding strand, the complement: SOS1 is on the minus strand). VCF-style: chr2-39035223-C-T. GRCh37 (hg19) VCF-style: chr2-39262364-C-T.
Other names: c.1042G>A, p.Glu348Lys (NM_001382394.1); c.1063G>A, p.Glu355Lys (NM_001382395.1); short protein forms E348K, E355K.
Identifiers: ClinVar variation 1326678 (VCV001326678.3), dbSNP rs1670303340, ClinGen allele CA346367083.